The following is an entry in ClinVar:

NM_007294.4(BRCA1):c.4097-2A>C

Gene: BRCA1 (BRCA1 DNA repair associated; minus strand). Cytogenetic location: 17q21.31.
Variant type: single nucleotide variant.
Coding change: c.4097-2A>C on transcript NM_007294.4 (MANE Select); the canonical splice acceptor site of the intron before coding-DNA position 4097, A replaced by C.
Molecular consequence: splice acceptor variant. On other transcripts: intron variant (1).
Genome position (GRCh38, 1-based): chr17:43,091,034, T>G on the plus strand (A>C on the coding strand, the complement: BRCA1 is on the minus strand). VCF-style: chr17-43091034-T-G. GRCh37 (hg19) VCF-style: chr17-41243051-T-G.
Other names: c.3887-2A>C (NM_001407907.1, NM_001407879.1, NM_001407902.1 and 13 more transcripts); c.662-2A>C (NM_001408450.1, NM_001408434.1, NM_001408447.1 and 6 more transcripts); c.3971-2A>C (NM_001407672.1, NM_001407690.1, NM_001407687.1 and 11 more transcripts); c.785-2A>C (NM_001408398.1, NM_001407992.1, NM_001408400.1 and 13 more transcripts); c.4094-2A>C (NM_001407629.1, NM_001407636.1, NM_001407612.1 and 22 more transcripts); c.665-2A>C (NM_001408440.1, NM_001408428.1, NM_001408441.1 and 12 more transcripts); c.3974-2A>C (NM_001407678.1, NM_001407666.1, NM_001407683.1 and 19 more transcripts); c.671-2A>C (NM_001408418.1, NM_001408423.1, NM_001408420.1 and 2 more transcripts); and 41 more.
Identifiers: ClinVar variation 182158 (VCV000182158.4), dbSNP rs80358019, ClinGen allele CA002626.

ClinVar aggregate classification (germline): Conflicting classifications of pathogenicity. Review status: criteria provided, conflicting classifications (1 of 4 stars). 2 submissions from 2 submitters: Pathogenic (1); Uncertain significance (1). Last evaluated 2025-03-09.

Conditions:
Hereditary breast ovarian cancer syndrome. Also called: Breast and ovarian cancer; Hereditary breast and ovarian cancer; Hereditary breast and/or ovarian cancer syndrome; BRCA1- and BRCA2-Associated Hereditary Breast and Ovarian Cancer; Hereditary breast and ovarian cancer syndrome (HBOC); Hereditary breast and ovarian cancer syndrome. Identifiers: Orphanet 145, MedGen C0677776, MeSH D061325, MONDO:0003582. Disease mechanism: loss of function.

Submissions (2):

Labcorp Genetics (formerly Invitae), Labcorp
Classification: Uncertain significance for Hereditary breast ovarian cancer syndrome. Last evaluated: 2025-03-09. Review status: criteria provided, single submitter. Criteria: Invitae Variant Classification Sherloc (09022015). Collection method: clinical testing. Allele origin: germline.
Comment: This sequence change affects an acceptor splice site in intron 10 of the BRCA1 gene. It is expected to disrupt RNA splicing. Variants that disrupt the donor or acceptor splice site typically lead to a loss of protein function (PMID: 16199547), and loss-of-function variants in BRCA1 are known to be pathogenic (PMID: 20104584). This variant is not present in population databases (gnomAD no frequency). Disruption of this splice site has been observed in individual(s) with a personal and/or family history of breast and/or ovarian cancer (PMID: 9361038, 29446198, 34981296, 36551643). ClinVar contains an entry for this variant (Variation ID: 182158). Studies have shown that disruption of this splice site is associated with altered splicing resulting in multiple RNA products including some that are in-frame (internal data). In summary, the available evidence is currently insufficient to determine the role of this variant in disease. Therefore, it has been classified as a Variant of Uncertain Significance.

GeneDx
Classification: Pathogenic. Last evaluated: 2014-04-11. Review status: criteria provided, single submitter. Criteria: GeneDx Variant Classification (06012015). Collection method: clinical testing. Allele origin: germline. Affected: yes.
Comment: This pathogenic variant is denoted BRCA1 c.4097-2A>C or IVS10-2A>C and consists of an A>C nucleotide substitution at the -2 position of intron 10 of the BRCA1 gene. The variant destroys a canonical splice acceptor site and is predicted to cause abnormal gene splicing, leading to either an abnormal message that is subject to nonsense-mediated mRNA decay or to an abnormal protein product. Although this variant has not, to our knowledge, been published in the literature it is considered pathogenic.

Literature cited by the submitters: PubMed 16199547 (cited by Labcorp Genetics (formerly Invitae), Labcorp); PubMed 20104584 (cited by Labcorp Genetics (formerly Invitae), Labcorp); PubMed 9361038 (cited by Labcorp Genetics (formerly Invitae), Labcorp); PubMed 29446198 (cited by Labcorp Genetics (formerly Invitae), Labcorp); PubMed 34981296 (cited by Labcorp Genetics (formerly Invitae), Labcorp); PubMed 36551643 (cited by Labcorp Genetics (formerly Invitae), Labcorp).